The following is an entry in ClinVar:

NM_152743.4(BRAT1):c.283-1G>A

Gene: BRAT1 (BRCA1 associated ATM activator 1; minus strand). Cytogenetic location: 7p22.3.
Variant type: single nucleotide variant.
Coding change: c.283-1G>A on transcript NM_152743.4 (MANE Select); the canonical splice acceptor site of the intron before coding-DNA position 283, G replaced by A.
Molecular consequence: splice acceptor variant. On other transcripts: intron variant (1).
Genome position (GRCh38, 1-based): chr7:2,545,057, C>T on the plus strand (G>A on the coding strand, the complement: BRAT1 is on the minus strand). VCF-style: chr7-2545057-C-T. GRCh37 (hg19) VCF-style: chr7-2584691-C-T.
Other names: c.-95-1095G>A (NM_001350627.2); c.283-1G>A (NM_001350626.2).
Identifiers: ClinVar variation 2189713 (VCV002189713.5), dbSNP rs1372330259, ClinGen allele CA366633048.

ClinVar aggregate classification (germline): Likely pathogenic. Review status: criteria provided, multiple submitters, no conflicts (2 of 4 stars). 2 submissions from 2 submitters: Likely pathogenic (2). Last evaluated 2024-10-09.

Conditions:
Neurodevelopmental disorder with cerebellar atrophy and with or without seizures. Identifiers: MedGen C4748032, MONDO:0020841, OMIM 618056.
Neonatal-onset encephalopathy with rigidity and seizures. Also called: Lethal neonatal spasticity-epileptic encephalopathy syndrome. Identifiers: Orphanet 435845, MedGen C3281029, MONDO:0013784, OMIM 614498.

Allele frequency attached by ClinVar (database versions not stated): gnomAD exomes below 0.00001; TOPMed below 0.00001; gnomAD 0.00001.

Submissions (2):

Women's Health and Genetics/Laboratory Corporation of America, LabCorp
Classification: Likely pathogenic for Neurodevelopmental disorder with cerebellar atrophy and with or without seizures. Last evaluated: 2024-10-09. Review status: criteria provided, single submitter. Criteria: LabCorp Variant Classification Summary - May 2015. Collection method: clinical testing. Allele origin: germline.
Comment: Variant summary: BRAT1 c.283-1G>A is located in a canonical splice-site and is predicted to affect mRNA splicing resulting in a significantly altered protein due to either exon skipping, shortening, or inclusion of intronic material. Variants that disrupt the consensus splice site are a relatively common cause of aberrant splicing and loss of BRAT1 function. Several computational tools predict a significant impact on normal splicing: Four predict the variant abolishes the canonical 3' acceptor site. Two predict the variant strengthens a cryptic 3' acceptor site. One predict the variant creates the cryptic 3' acceptor site. However, these predictions have yet to be confirmed by functional studies. The frequency data for this variant in gnomAD is considered unreliable, as metrics indicate poor data quality at this position. To our knowledge, no occurrence of c.283-1G>A in individuals affected with Neurodevelopmental Disorder With Cerebellar Atrophy And With Or Without Seizures and no experimental evidence demonstrating its impact on protein function have been reported. ClinVar contains an entry for this variant (Variation ID: 2189713). Based on the evidence outlined above, the variant was classified as likely pathogenic.

Labcorp Genetics (formerly Invitae), Labcorp
Classification: Likely pathogenic for Neonatal-onset encephalopathy with rigidity and seizures. Last evaluated: 2024-01-29. Review status: criteria provided, single submitter. Criteria: Invitae Variant Classification Sherloc (09022015). Collection method: clinical testing. Allele origin: germline.
Comment: This sequence change affects an acceptor splice site in intron 3 of the BRAT1 gene. It is expected to disrupt RNA splicing. Variants that disrupt the donor or acceptor splice site typically lead to a loss of protein function (PMID: 16199547), and loss-of-function variants in BRAT1 are known to be pathogenic (PMID: 22279524, 25500575). This variant is not present in population databases (gnomAD no frequency). This variant has not been reported in the literature in individuals affected with BRAT1-related conditions. ClinVar contains an entry for this variant (Variation ID: 2189713). Algorithms developed to predict the effect of sequence changes on RNA splicing suggest that this variant may disrupt the consensus splice site. In summary, the currently available evidence indicates that the variant is pathogenic, but additional data are needed to prove that conclusively. Therefore, this variant has been classified as Likely Pathogenic.

Literature cited by the submitters: PubMed 16199547 (cited by Labcorp Genetics (formerly Invitae), Labcorp); PubMed 22279524 (cited by Labcorp Genetics (formerly Invitae), Labcorp); PubMed 25500575 (cited by Labcorp Genetics (formerly Invitae), Labcorp).